The following is an entry in ClinVar:

NM_001130009.3(GEN1):c.1435C>G (p.Pro479Ala)

Gene: GEN1 (GEN1 structure-specific endonuclease; plus strand). Cytogenetic location: 2p24.2.
Variant type: single nucleotide variant.
Coding change: c.1435C>G on transcript NM_001130009.3 (MANE Select); coding-DNA position 1435, C replaced by G.
Protein change: p.Pro479Ala; replaces proline 479 with alanine.
Molecular consequence: missense variant.
Genome position (GRCh38, 1-based): chr2:17,780,647, C>G. VCF-style: chr2-17780647-C-G. GRCh37 (hg19) VCF-style: chr2-17961914-C-G.
Other names: c.1435C>G, p.Pro479Ala (NM_182625.5); short protein forms P479A.
Identifiers: ClinVar variation 4671493 (VCV004671493.1).
Genomic context (GRCh38, chr2:17,780,647, plus strand): 5'-AAATGTTGATTATATGTATTTTTTTTCTTTTCAGGTATTAAGCCTAAAGAAAACAATTTG[C>G]CAGAACCAGATGAAGTAATGAGCTTTCAGTCACACATGACTTTAAAACCCACATGTGAAA-3'
Protein context (NP_001123481.3, residues 469-489): KRIKPKENNL[Pro479Ala]EPDEVMSFQS

ClinVar aggregate classification (germline): Uncertain significance (1 of 4 stars; one submission).

Submission:

Ambry Genetics
Classification: Uncertain significance. Last evaluated: 2025-11-02. Review status: criteria provided, single submitter. Criteria: Ambry Variant Classification Scheme 2023. Collection method: clinical testing. Allele origin: germline.
Comment: The p.P479A variant (also known as c.1435C>G), located in coding exon 13 of the GEN1 gene, results from a C to G substitution at nucleotide position 1435. The proline at codon 479 is replaced by alanine, an amino acid with highly similar properties. This amino acid position is conserved. In addition, this alteration is predicted to be tolerated by in silico analysis. Based on the available evidence, the clinical significance of this variant remains unclear.